The following is an entry in ClinVar:

ClinVar aggregate classification (germline): Uncertain significance (1 of 4 stars; one submission).

Conditions:
Early-infantile DEE. Also called: Early infantile epileptic encephalopathy; Early infantile epileptic encephalopathy with suppression bursts; Ohtahara syndrome. Identifiers: Orphanet 1934, MedGen C0393706, MONDO:0800491.

Submission:

Labcorp Genetics (formerly Invitae), Labcorp
Classification: Uncertain significance for Early-infantile DEE. Last evaluated: 2022-03-01. Review status: criteria provided, single submitter. Criteria: Invitae Variant Classification Sherloc (09022015). Collection method: clinical testing. Allele origin: germline.
Comment: This sequence change replaces valine, which is neutral and non-polar, with glycine, which is neutral and non-polar, at codon 1579 of the SCN1A protein (p.Val1579Gly). This variant is not present in population databases (gnomAD no frequency). This variant has not been reported in the literature in individuals affected with SCN1A-related conditions. Advanced modeling of protein sequence and biophysical properties (such as structural, functional, and spatial information, amino acid conservation, physicochemical variation, residue mobility, and thermodynamic stability) performed at Invitae indicates that this missense variant is expected to disrupt SCN1A protein function. In summary, the available evidence is currently insufficient to determine the role of this variant in disease. Therefore, it has been classified as a Variant of Uncertain Significance.

NM_001165963.4(SCN1A):c.4736T>G (p.Val1579Gly)

Genes: SCN1A (sodium voltage-gated channel alpha subunit 1; minus strand), LOC102724058 (uncharacterized LOC102724058; plus strand). Cytogenetic location: 2q24.3.
Variant type: single nucleotide variant.
Coding change: c.4736T>G on transcript NM_001165963.4 (MANE Select); coding-DNA position 4736, T replaced by G.
Protein change: p.Val1579Gly; replaces valine 1579 with glycine.
Molecular consequence: missense variant. On other transcripts: non-coding transcript variant (1).
Genome position (GRCh38, 1-based): chr2:165,994,262, A>C on the plus strand (T>G on the coding strand, the complement: SCN1A is on the minus strand). VCF-style: chr2-165994262-A-C. GRCh37 (hg19) VCF-style: chr2-166850772-A-C.
Other names: c.4736T>G, p.Val1579Gly (NM_001353948.2, NM_001202435.3); c.4703T>G, p.Val1568Gly (NM_001353949.2, NM_001353950.2, NM_001353951.2 and 2 more transcripts); c.4700T>G, p.Val1567Gly (NM_001353954.2, NM_001353955.2); c.4652T>G, p.Val1551Gly (NM_001353957.2, NM_001353958.2, NM_001165964.3); c.4649T>G, p.Val1550Gly (NM_001353960.2); c.2294T>G, p.Val765Gly (NM_001353961.2); short protein forms V1550G, V1551G, V1567G, V1579G, V1568G, V765G.
Identifiers: ClinVar variation 2105236 (VCV002105236.4), dbSNP rs1467564075, ClinGen allele CA349071786.